The following is an entry in ClinVar:

ClinVar aggregate classification (germline): Uncertain significance (1 of 4 stars; one submission).

Conditions:
Branchiootic syndrome 3 (BOS3). Also called: BO SYNDROME 3. Identifiers: MedGen C1842124, MONDO:0012025, OMIM 608389.
Autosomal dominant nonsyndromic hearing loss 23. Identifiers: Orphanet 90635, MedGen C1854594, MONDO:0011519, OMIM 605192.

Submission:

Labcorp Genetics (formerly Invitae), Labcorp
Classification: Uncertain significance for Autosomal dominant nonsyndromic hearing loss 23; Branchiootic syndrome 3. Last evaluated: 2022-08-16. Review status: criteria provided, single submitter. Criteria: Invitae Variant Classification Sherloc (09022015). Collection method: clinical testing. Allele origin: germline.
Comment: In summary, the available evidence is currently insufficient to determine the role of this variant in disease. Therefore, it has been classified as a Variant of Uncertain Significance. Experimental studies and prediction algorithms are not available or were not evaluated, and the functional significance of this variant is currently unknown. This variant has not been reported in the literature in individuals affected with SIX1-related conditions. This variant is not present in population databases (gnomAD no frequency). This sequence change creates a premature translational stop signal (p.Thr161Alafs*17) in the SIX1 gene. While this is not anticipated to result in nonsense mediated decay, it is expected to disrupt the last 124 amino acid(s) of the SIX1 protein.

NM_005982.4(SIX1):c.468_480dup (p.Thr161fs)

Genes: SIX1 (SIX homeobox 1; minus strand), MIR9718 (microRNA 9718; plus strand). Cytogenetic location: 14q23.1.
Variant type: Duplication.
Coding change: c.468_480dup on transcript NM_005982.4 (MANE Select); coding-DNA positions 468 to 480, 13 bases duplicated (GCTGGCCGAGGCC).
Protein change: p.Thr161fs; shifts the reading frame from threonine 161.
Molecular consequence: frameshift variant.
Genome position (GRCh38, 1-based): chr14:60,648,710-60,648,722, GGCCTCGGCCAGC duplicated on the plus strand (GCTGGCCGAGGCC on the coding strand, the reverse complement: SIX1 is on the minus strand). VCF-style (leftmost placement, unchanged base first): chr14-60648709-T-TGGCCTCGGCCAGC. GRCh37 (hg19) VCF-style: chr14-61115427-T-TGGCCTCGGCCAGC.
Other names: short protein forms T161fs.
Identifiers: ClinVar variation 2182582 (VCV002182582.4), dbSNP rs2502643655, ClinGen allele CA2580088300.